The following is an entry in ClinVar:

ClinVar aggregate classification (germline): Uncertain significance (1 of 4 stars; one submission).

Conditions:
Charcot-Marie-Tooth disease X-linked dominant 6. Also called: CHARCOT-MARIE-TOOTH NEUROPATHY, X-LINKED DOMINANT, 6. Identifiers: Orphanet 352675, MedGen C3806702, MONDO:0010479, OMIM 300905.

Submission:

Labcorp Genetics (formerly Invitae), Labcorp
Classification: Uncertain significance for Charcot-Marie-Tooth disease X-linked dominant 6. Last evaluated: 2022-11-06. Review status: criteria provided, single submitter. Criteria: Invitae Variant Classification Sherloc (09022015). Collection method: clinical testing. Allele origin: germline.
Comment: In summary, the available evidence is currently insufficient to determine the role of this variant in disease. Therefore, it has been classified as a Variant of Uncertain Significance. Experimental studies and prediction algorithms are not available or were not evaluated, and the functional significance of this variant is currently unknown. This variant has not been reported in the literature in individuals affected with PDK3-related conditions. This variant results in a copy number gain of the genomic region encompassing exon(s) 7-12 of the PDK3 gene. This region includes the termination codon of the gene. This copy number gain extends beyond the assayed region for this gene and therefore may encompass additional genes. As the precise location of this event is unknown, it may be in tandem or it may be located elsewhere in the genome.

NC_000023.10:g.(?_24544295)_(24557281_?)dup

Gene: PDK3 (pyruvate dehydrogenase kinase 3; plus strand). Cytogenetic location: Xp22.11.
Variant type: Duplication.
Identifiers: ClinVar variation 2423828 (VCV002423828.4).